The following is an entry in ClinVar:

NM_030662.4(MAP2K2):c.919+4C>T

Gene: MAP2K2 (mitogen-activated protein kinase kinase 2; minus strand). Cytogenetic location: 19p13.3.
Variant type: single nucleotide variant.
Coding change: c.919+4C>T on transcript NM_030662.4 (MANE Select); 4 bases into the intron after coding-DNA position 919, C replaced by T.
Molecular consequence: intron variant.
Genome position (GRCh38, 1-based): chr19:4,099,197, G>A on the plus strand (C>T on the coding strand, the complement: MAP2K2 is on the minus strand). VCF-style: chr19-4099197-G-A. GRCh37 (hg19) VCF-style: chr19-4099195-G-A.
Other names: c.919+4C>T (NM_030662.3).
Identifiers: ClinVar variation 40834 (VCV000040834.18), dbSNP rs763424788, ClinGen allele CA9090795.

ClinVar aggregate classification (germline): Likely benign. Review status: reviewed by expert panel (3 of 4 stars). 6 submissions from 6 submitters: Likely benign (1). 5 of the submissions do not count toward it. Last evaluated 2019-07-25.

Conditions:
Cardiofaciocutaneous syndrome 4 (CFC4). Also called: MAP2K2-Related Cardiofaciocutaneous Syndrome. Identifiers: Orphanet 1340, MedGen C3809007, MONDO:0014114, OMIM 615280.
RASopathy. Also called: Noonan spectrum disorder; rasopathies. Identifiers: Orphanet 536391, MedGen C5555857, MONDO:0021060.

Allele frequency attached by ClinVar (database versions not stated): gnomAD exomes 0.00004; ExAC 0.00004; gnomAD 0.00009; TOPMed 0.00005.
gnomAD v4.1: 85 of 1,597,070 alleles (0.0053%); highest among the groups gnomAD compares: African/African-American, 0.0094%; no homozygotes.

Submissions (6):

ClinGen RASopathy Variant Curation Expert Panel
Classification: Likely benign for RASopathy. Last evaluated: 2019-07-25. Review status: reviewed by expert panel. Criteria: ClinGen RASopathy ACMG Specifications v1. Collection method: curation. Allele origin: germline. Inheritance: Autosomal dominant inheritance.
Comment: The variant c.919+4C>T is an intronic variant at a nucleotide that is not highly conserved and is not predicted to impact splicing (BP7). Also, computational prediction tools and conservation analysis suggests that the variant does not impact the protein (BP4). In summary, the clinical significance of the c.919+4C>T variant is likely benign. RASopathy-specific ACMG/AMP criteria applied (PMID:29493581): BP4, BP7.

Labcorp Genetics (formerly Invitae), Labcorp
Classification: Uncertain significance for RASopathy. Last evaluated: 2025-12-29. Review status: criteria provided, single submitter. Criteria: Invitae Variant Classification Sherloc (09022015). Collection method: clinical testing. Allele origin: germline. Not counted in ClinVar's aggregate classification.
Comment: This sequence change falls in intron 7 of the MAP2K2 gene. It does not directly change the encoded amino acid sequence of the MAP2K2 protein. It affects a nucleotide within the consensus splice site. The frequency data for this variant in the population databases is considered unreliable, as metrics indicate poor data quality at this position in the gnomAD database. This variant has not been reported in the literature in individuals affected with MAP2K2-related conditions. ClinVar contains an entry for this variant (Variation ID: 40834). Variants that disrupt the consensus splice site are a relatively common cause of aberrant splicing (PMID: 17576681, 9536098). Algorithms developed to predict the effect of sequence changes on RNA splicing suggest that this variant is not likely to affect RNA splicing. In summary, the available evidence is currently insufficient to determine the role of this variant in disease. Therefore, it has been classified as a Variant of Uncertain Significance.

Women's Health and Genetics/Laboratory Corporation of America, LabCorp
Classification: Benign. Last evaluated: 2021-11-02. Review status: criteria provided, single submitter. Criteria: LabCorp Variant Classification Summary - May 2015. Collection method: clinical testing. Allele origin: germline. Not counted in ClinVar's aggregate classification.
Comment: Variant summary: MAP2K2 c.919+4C>T alters a conserved nucleotide located close to a canonical splice site and therefore could affect mRNA splicing, leading to a significantly altered protein sequence. 4/4 computational tools predict no significant impact on normal splicing. However, these predictions have yet to be confirmed by functional studies. The variant allele was found at a frequency of 4.4e-05 in 248150 control chromosomes. The observed variant frequency is approximately 18 fold of the estimated maximal expected allele frequency for a pathogenic variant in MAP2K2 causing Noonan Syndrome And Related Conditions phenotype (2.5e-06), strongly suggesting that the variant is benign. To our knowledge, no occurrence of c.919+4C>T in individuals affected with Noonan Syndrome And Related Conditions and no experimental evidence demonstrating its impact on protein function have been reported. Three ClinVar submitters (evaluation after 2014) cite the variant as uncertain significance (n=1) and likely benign (n=2). Based on the evidence outlined above, the variant was classified as benign.

Fulgent Genetics
Classification: Likely benign for Cardiofaciocutaneous syndrome 4. Last evaluated: 2021-08-06. Review status: criteria provided, single submitter. Criteria: ACMG Guidelines, 2015. Collection method: clinical testing. Allele origin: unknown. Not counted in ClinVar's aggregate classification.

GeneDx
Classification: Likely benign. Last evaluated: 2019-03-15. Review status: criteria provided, single submitter. Criteria: GeneDx Variant Classification Process June 2021. Collection method: clinical testing. Allele origin: germline. Affected: yes. Not counted in ClinVar's aggregate classification.

Eurofins Ntd Llc (ga)
Classification: Uncertain significance. Last evaluated: 2018-06-01. Review status: criteria provided, single submitter. Criteria: EGL ClinVar v180209 classification definitions. Collection method: clinical testing. Allele origin: germline. Observed: 1 variant allele, 1 heterozygote. Not counted in ClinVar's aggregate classification.

Literature cited by the submitters: PubMed 17576681 (cited by Labcorp Genetics (formerly Invitae), Labcorp); PubMed 9536098 (cited by Labcorp Genetics (formerly Invitae), Labcorp).